The following is an entry in ClinVar:

ClinVar aggregate classification (germline): Likely benign. Review status: criteria provided, multiple submitters, no conflicts (2 of 4 stars). 2 submissions from 2 submitters: Likely benign (2). Last evaluated 2018-05-11.

Allele frequency attached by ClinVar (database versions not stated): TOPMed 0.00056; 1000 Genomes Project 0.00100; 1000 Genomes Project 30x 0.00109.
gnomAD v4.1: 552 of 1,351,862 alleles (0.041%); highest among the groups gnomAD compares: Middle Eastern, 0.29%; 2 homozygotes.

Submissions (2):

GeneDx
Classification: Likely benign. Last evaluated: 2018-05-11. Review status: criteria provided, single submitter. Criteria: GeneDx Variant Classification (06012015). Collection method: clinical testing. Allele origin: germline. Affected: yes.
Comment: This variant is considered likely benign or benign based on one or more of the following criteria: it is a conservative change, it occurs at a poorly conserved position in the protein, it is predicted to be benign by multiple in silico algorithms, and/or has population frequency not consistent with disease.

Breakthrough Genomics
Classification: Likely benign. Review status: criteria provided, single submitter. Criteria: ACMG Guidelines, 2015. Collection method: not provided. Allele origin: germline. Inheritance: Autosomal recessive inheritance. Affected: yes.

NM_181882.3(PRX):c.-99-20C>G

Gene: PRX (periaxin; minus strand). Cytogenetic location: 19q13.2.
Variant type: single nucleotide variant.
Coding change: c.-99-20C>G on transcript NM_181882.3 (MANE Select); 20 bases into the intron before 99 bases upstream of the start codon, C replaced by G.
Molecular consequence: intron variant.
Genome position (GRCh38, 1-based): chr19:40,408,051, G>C on the plus strand (C>G on the coding strand, the complement: PRX is on the minus strand). VCF-style: chr19-40408051-G-C. GRCh37 (hg19) VCF-style: chr19-40913958-G-C.
Other names: c.-99-20C>G (NM_020956.2).
Identifiers: ClinVar variation 675846 (VCV000675846.2), dbSNP rs148577357, ClinGen allele CA308427611.
Genomic context (GRCh38, chr19:40,408,051, plus strand): 5'-AGAACCAGCTTCAGTTCTGCATGGAGCAGCTGCCTCTGAGCCTGTGGGAGGACAGCAGTG[G>C]AGGCTTGAGGCCAGTAGGGGACGAGAGGTGGAGGCCATGCTTACAGGGAGAAAGCAGGGT-3'